The following is an entry in ClinVar:

NM_001082538.3(TCTN1):c.146C>G (p.Pro49Arg)

Gene: TCTN1 (tectonic family member 1; plus strand). Cytogenetic location: 12q24.11.
Variant type: single nucleotide variant.
Coding change: c.146C>G on transcript NM_001082538.3 (MANE Select); coding-DNA position 146, C replaced by G.
Protein change: p.Pro49Arg; replaces proline 49 with arginine.
Molecular consequence: missense variant. On other transcripts: 5 prime UTR variant (4), non-coding transcript variant (1).
Genome position (GRCh38, 1-based): chr12:110,614,328, C>G. VCF-style: chr12-110614328-C-G. GRCh37 (hg19) VCF-style: chr12-111052133-C-G.
Other names: c.146C>G (NM_001082538.2); c.146C>G, p.Pro49Arg (NM_001082537.3, NM_001319680.2, NM_024549.6); c.-84C>G (NM_001173975.3, NM_001319682.3); c.-111C>G (NM_001173976.2); c.-562C>G (NM_001319681.2); short protein forms P49R.
Identifiers: ClinVar variation 1385873 (VCV001385873.7), dbSNP rs571241015, ClinGen allele CA6786451.
Genomic context (GRCh38, chr12:110,614,328, plus strand): 5'-CGGTGACGACAGAGGGCCTCAACTCCACCGAGGCAGCCCTGGCCACCTTCGGAACTTTCC[C>G]GTCGACCAGGCCCCCCGGGACTCCCAGGGCTCCAGGGCCCTCCTCCGGCCCCAGGCCTAC-3'
Protein context (NP_001076007.1, residues 39-59): EAALATFGTF[Pro49Arg]STRPPGTPRA

ClinVar aggregate classification (germline): Uncertain significance. Review status: criteria provided, multiple submitters, no conflicts (2 of 4 stars). 3 submissions from 3 submitters: Uncertain significance (3). Last evaluated 2025-11-20.

Conditions:
Joubert syndrome. Also called: CEREBELLOPARENCHYMAL DISORDER IV; JOUBERT-BOLTSHAUSER SYNDROME; Familial aplasia of the vermis. Identifiers: Orphanet 475, MedGen C5979921, MONDO:0018772.
Meckel-Gruber syndrome. Also called: DYSENCEPHALIA SPLANCHNOCYSTICA; GRUBER SYNDROME; Dysencephalia splachnocystica. Identifiers: Orphanet 564, MedGen C0265215, MONDO:0018921.
TCTN1-related disorder. Also called: TCTN1-related condition.
Inborn genetic diseases. Identifiers: MedGen C0950123, MeSH D030342.

gnomAD v4.1: 31 of 1,605,862 alleles (0.0019%); highest among the groups gnomAD compares: Non-Finnish European, 0.0022%; 1 homozygote.

Submissions (3):

Ambry Genetics
Classification: Uncertain significance for Inborn genetic diseases. Last evaluated: 2025-11-20. Review status: criteria provided, single submitter. Criteria: Ambry Variant Classification Scheme 2023. Collection method: clinical testing. Allele origin: germline.

PreventionGenetics, part of Exact Sciences
Classification: Uncertain significance for TCTN1-related condition. Last evaluated: 2023-03-22. Review status: criteria provided, single submitter. Criteria: ACMG Guidelines, 2015. Collection method: clinical testing. Allele origin: germline.
Comment: The TCTN1 c.146C>G variant is predicted to result in the amino acid substitution p.Pro49Arg. To our knowledge, this variant has not been reported in the literature. This variant is reported in 0.010% of alleles in individuals of Ashkenazi Jewish descent in gnomAD. At this time, the clinical significance of this variant is uncertain due to the absence of conclusive functional and genetic evidence.

Labcorp Genetics (formerly Invitae), Labcorp
Classification: Uncertain significance for Joubert syndrome; Meckel-Gruber syndrome. Last evaluated: 2021-10-23. Review status: criteria provided, single submitter. Criteria: Invitae Variant Classification Sherloc (09022015). Collection method: clinical testing. Allele origin: germline.
Comment: This sequence change replaces proline, which is neutral and non-polar, with arginine, which is basic and polar, at codon 49 of the TCTN1 protein (p.Pro49Arg). This variant is present in population databases (rs571241015, gnomAD 0.01%). This variant has not been reported in the literature in individuals affected with TCTN1-related conditions. Algorithms developed to predict the effect of missense changes on protein structure and function (SIFT, PolyPhen-2, Align-GVGD) all suggest that this variant is likely to be tolerated. In summary, the available evidence is currently insufficient to determine the role of this variant in disease. Therefore, it has been classified as a Variant of Uncertain Significance.